The following is an entry in ClinVar:

ClinVar aggregate classification (germline): Uncertain significance (1 of 4 stars; one submission).

Conditions:
Combined immunodeficiency due to CTPS1 deficiency. Also called: Severe combined immunodeficiency due to CTPS1 deficiency; Immunodeficiency 24. Identifiers: Orphanet 420573, MedGen C4014617, MONDO:0014391, OMIM 615897.

Allele frequency attached by ClinVar (database versions not stated): TOPMed below 0.00001; gnomAD 0.00001.
gnomAD v4.1: 2 of 1,612,840 alleles (0.00012%); highest among the groups gnomAD compares: Non-Finnish European, 0.00017%; no homozygotes.

Submission:

Labcorp Genetics (formerly Invitae), Labcorp
Classification: Uncertain significance for Combined immunodeficiency due to CTPS1 deficiency. Last evaluated: 2022-08-25. Review status: criteria provided, single submitter. Criteria: Invitae Variant Classification Sherloc (09022015). Collection method: clinical testing. Allele origin: germline.
Comment: This sequence change falls in intron 13 of the CTPS1 gene. It does not directly change the encoded amino acid sequence of the CTPS1 protein. It affects a nucleotide within the consensus splice site. This variant is not present in population databases (gnomAD no frequency). This variant has not been reported in the literature in individuals affected with CTPS1-related conditions. Variants that disrupt the consensus splice site are a relatively common cause of aberrant splicing (PMID: 17576681, 9536098). Algorithms developed to predict the effect of sequence changes on RNA splicing suggest that this variant is not likely to affect RNA splicing. In summary, the available evidence is currently insufficient to determine the role of this variant in disease. Therefore, it has been classified as a Variant of Uncertain Significance.

Literature cited by the submitters: PubMed 17576681; PubMed 9536098.

NM_001905.4(CTPS1):c.1296+3G>A

Gene: CTPS1 (CTP synthase 1; plus strand). Cytogenetic location: 1p34.2.
Variant type: single nucleotide variant.
Coding change: c.1296+3G>A on transcript NM_001905.4 (MANE Select); 3 bases into the intron after coding-DNA position 1296, G replaced by A.
Molecular consequence: intron variant.
Genome position (GRCh38, 1-based): chr1:41,006,097, G>A. VCF-style: chr1-41006097-G-A. GRCh37 (hg19) VCF-style: chr1-41471769-G-A.
Other names: c.828+3G>A (NM_001301237.2).
Identifiers: ClinVar variation 2027029 (VCV002027029.1), dbSNP rs1643026721, ClinGen allele CA645538144.